The following is an entry in ClinVar:

NM_001170700.3(DTHD1):c.501G>A (p.Glu167=)

Gene: DTHD1 (death domain containing 1; plus strand). Cytogenetic location: 4p14.
Variant type: single nucleotide variant.
Coding change: c.501G>A on transcript NM_001170700.3 (MANE Select); coding-DNA position 501, G replaced by A.
Protein change: p.Glu167=; no amino-acid change (glutamic acid 167 retained).
Molecular consequence: synonymous variant. On other transcripts: non-coding transcript variant (2), intron variant (2).
Genome position (GRCh38, 1-based): chr4:36,284,205, G>A. VCF-style: chr4-36284205-G-A. GRCh37 (hg19) VCF-style: chr4-36285827-G-A.
Other names: c.17+2176G>A (NM_001136536.5, NM_001378435.1).
Identifiers: ClinVar variation 3039191 (VCV003039191.3), dbSNP rs564475767, ClinGen allele CA2885565.

ClinVar aggregate classification (germline): Likely benign. Review status: criteria provided, single submitter (1 of 4 stars). 2 submissions from 2 submitters: Likely benign (1). 1 of the submissions does not count toward it. Last evaluated 2024-07-04.

Conditions:
DTHD1-related disorder. Also called: DTHD1-related condition.

Allele frequency attached by ClinVar (database versions not stated): gnomAD exomes 0.00001; ExAC 0.00006; 1000 Genomes Project 0.00020; 1000 Genomes Project 30x 0.00031.
gnomAD v4.1: 51 of 1,537,136 alleles (0.0033%); highest among the groups gnomAD compares: African/African-American, 0.036%; no homozygotes.

Submissions (2):

Blueprint Genetics
Classification: Likely benign. Last evaluated: 2024-07-04. Review status: criteria provided, single submitter. Criteria: ACMG Guidelines, 2015. Collection method: clinical testing. Allele origin: germline.

PreventionGenetics, part of Exact Sciences
Classification: Likely benign for DTHD1-related condition. Last evaluated: 2019-04-16. Review status: no assertion criteria provided. Collection method: clinical testing. Allele origin: germline. Not counted in ClinVar's aggregate classification.
Comment: This variant is classified as likely benign based on ACMG/AMP sequence variant interpretation guidelines (Richards et al. 2015 PMID: 25741868, with internal and published modifications).